The following is an entry in ClinVar:

NM_000293.3(PHKB):c.3039C>A (p.Asn1013Lys)

Gene: PHKB (phosphorylase kinase regulatory subunit beta; plus strand). Cytogenetic location: 16q12.1.
Variant type: single nucleotide variant.
Coding change: c.3039C>A on transcript NM_000293.3 (MANE Select); coding-DNA position 3039, C replaced by A.
Protein change: p.Asn1013Lys; replaces asparagine 1013 with lysine.
Molecular consequence: missense variant.
Genome position (GRCh38, 1-based): chr16:47,698,483, C>A. VCF-style: chr16-47698483-C-A. GRCh37 (hg19) VCF-style: chr16-47732394-C-A.
Other names: c.3018C>A, p.Asn1006Lys (NM_001031835.3); c.3039C>A, p.Asn1013Lys (NM_001363837.1); short protein forms N1006K, N1013K.
Identifiers: ClinVar variation 648261 (VCV000648261.3), dbSNP rs151222947, ClinGen allele CA396101489.

ClinVar aggregate classification (germline): Uncertain significance (1 of 4 stars; one submission).

Conditions:
Glycogen storage disease IXb (GSD9B). Also called: PHOSPHORYLASE KINASE DEFICIENCY OF LIVER AND MUSCLE, AUTOSOMAL RECESSIVE; GLYCOGENOSIS OF LIVER AND MUSCLE, AUTOSOMAL RECESSIVE; GSD IXb. Identifiers: Orphanet 79240, MedGen C0543514, MONDO:0009868, OMIM 261750.

gnomAD v4.1: 17 of 1,611,344 alleles (0.0011%); highest among the groups gnomAD compares: Admixed American, 0.0033%; no homozygotes.

Submission:

Labcorp Genetics (formerly Invitae), Labcorp
Classification: Uncertain significance for Glycogen storage disease IXb. Last evaluated: 2022-06-03. Review status: criteria provided, single submitter. Criteria: Invitae Variant Classification Sherloc (09022015). Collection method: clinical testing. Allele origin: germline.
Comment: This sequence change replaces asparagine, which is neutral and polar, with lysine, which is basic and polar, at codon 1013 of the PHKB protein (p.Asn1013Lys). This variant is present in population databases (no rsID available, gnomAD 0.009%). This variant has not been reported in the literature in individuals affected with PHKB-related conditions. ClinVar contains an entry for this variant (Variation ID: 648261). Algorithms developed to predict the effect of missense changes on protein structure and function (SIFT, PolyPhen-2, Align-GVGD) all suggest that this variant is likely to be disruptive. In summary, the available evidence is currently insufficient to determine the role of this variant in disease. Therefore, it has been classified as a Variant of Uncertain Significance.